The following is an entry in ClinVar:

ClinVar aggregate classification (germline): Conflicting classifications of pathogenicity. Review status: criteria provided, conflicting classifications (1 of 4 stars). 3 submissions from 1 submitter: Uncertain significance (2); Likely benign (1). Last evaluated 2018-01-12.

Conditions:
Autosomal dominant nonsyndromic hearing loss 11. Identifiers: Orphanet 90635, MedGen C1832475, MONDO:0011032, OMIM 601317.
Usher syndrome type 1 (USH1). Also called: RETINITIS PIGMENTOSA AND CONGENITAL DEAFNESS. Identifiers: Orphanet 231169, Orphanet 886, MedGen C1568247, MONDO:0010168, OMIM 276900.
Autosomal recessive nonsyndromic hearing loss 2. Also called: DEAFNESS, AUTOSOMAL RECESSIVE 2; NEUROSENSORY NONSYNDROMIC RECESSIVE DEAFNESS 2. Identifiers: Orphanet 90636, MedGen C1838701, MONDO:0010807, OMIM 600060.

Allele frequency attached by ClinVar (database versions not stated): gnomAD exomes 0.00018 and 0.00035; ExAC 0.00082; 1000 Genomes Project 0.00100; 1000 Genomes Project 30x 0.00109; ESP Exome Variant Server 0.00154; gnomAD 0.00157 and 0.00172; TOPMed 0.00195.
gnomAD v4.1: 502 of 1,481,394 alleles (0.034%); highest among the groups gnomAD compares: African/African-American, 0.57%; 1 homozygote.

Submissions (3):

Illumina Laboratory Services, Illumina
Classification: Likely benign for Autosomal dominant nonsyndromic hearing loss 11. Last evaluated: 2018-01-12. Review status: criteria provided, single submitter. Criteria: ICSL Variant Classification Criteria 13 December 2019. Collection method: clinical testing. Allele origin: germline.
Comment: This variant was observed in the ICSL laboratory as part of a predisposition screen in an ostensibly healthy population. It had not been previously curated by ICSL or reported in the Human Gene Mutation Database (HGMD: prior to June 1st, 2018), and was therefore a candidate for classification through an automated scoring system. Utilizing variant allele frequency, disease prevalence and penetrance estimates, and inheritance mode, an automated score was calculated to assess if this variant is too frequent to cause the disease. Based on the score and internal cut-off values, a variant classified as likely benign is not then subjected to further curation. The score for this variant resulted in a classification of likely benign for this disease.

Illumina Laboratory Services, Illumina
Classification: Uncertain significance for Autosomal recessive nonsyndromic hearing loss 2. Last evaluated: 2018-01-12. Review status: criteria provided, single submitter. Criteria: ICSL Variant Classification Criteria 13 December 2019. Collection method: clinical testing. Allele origin: germline.

Illumina Laboratory Services, Illumina
Classification: Uncertain significance for Usher syndrome type 1. Last evaluated: 2018-01-12. Review status: criteria provided, single submitter. Criteria: ICSL Variant Classification Criteria 13 December 2019. Collection method: clinical testing. Allele origin: germline.

NM_000260.4(MYO7A):c.*38G>A

Gene: MYO7A (myosin VIIA; plus strand). Cytogenetic location: 11q13.5.
Variant type: single nucleotide variant.
Coding change: c.*38G>A on transcript NM_000260.4 (MANE Select); 38 bases downstream of the stop codon, G replaced by A.
Molecular consequence: 3 prime UTR variant.
Genome position (GRCh38, 1-based): chr11:77,214,734, G>A. VCF-style: chr11-77214734-G-A. GRCh37 (hg19) VCF-style: chr11-76925779-G-A.
Other names: c.*38G>A (NM_001127180.2, NM_001369365.1).
Identifiers: ClinVar variation 881497 (VCV000881497.4), dbSNP rs149296177, ClinGen allele CA6199153.